The following is an entry in ClinVar:

ClinVar aggregate classification (germline): Benign/Likely benign. Review status: criteria provided, multiple submitters, no conflicts (2 of 4 stars). 12 submissions from 11 submitters: Benign (4); Likely benign (6). 2 of the submissions do not count toward it. Last evaluated 2026-01-07.

Conditions:
RET-related disorder. Also called: RET-related condition; RET-related disease; RET-related disorders.
Hereditary cancer-predisposing syndrome. Also called: Tumor predisposition; Neoplastic Syndromes, Hereditary; Hereditary Cancer Syndrome; Hereditary neoplastic syndrome. Identifiers: Orphanet 140162, MedGen C0027672, MeSH D009386, MONDO:0015356.
Multiple endocrine neoplasia, type 2 (MEN2). Identifiers: Orphanet 653, MedGen C4048306, MONDO:0019003. Disease mechanism: gain of function.
Multiple endocrine neoplasia type 2B. Also called: MULTIPLE ENDOCRINE NEOPLASIA, TYPE IIB; MEN 2B; MEN IIB; Multiple Endocrine Neoplasia Type 2B (MEN2B); NEUROMATA, MUCOSAL, WITH ENDOCRINE TUMORS; Multiple endocrine neoplasia, type 3. Identifiers: Orphanet 247709, Orphanet 653, MedGen C0025269, MeSH D018814, MONDO:0008082, OMIM 162300.
Multiple endocrine neoplasia type 2A. Also called: Multiple Endocrine Neoplasia Type 2A (MEN2A); MULTIPLE ENDOCRINE NEOPLASIA, TYPE IIA; PTC SYNDROME; SIPPLE SYNDROME; MEN 2A; MEN-2A syndrome. Identifiers: Orphanet 247698, Orphanet 653, MedGen C0025268, MeSH D018813, MONDO:0008234, OMIM 171400.
Pheochromocytoma. Also called: MAX-Related Hereditary Paraganglioma-Pheochromocytoma Syndrome. Identifiers: Orphanet 29072, MedGen C0031511, MONDO:0008233, OMIM 171300, HP:0002666.

Allele frequency attached by ClinVar (database versions not stated): gnomAD 0.00004 and 0.00017; TOPMed 0.00005; gnomAD exomes 0.00058; 1000 Genomes Project 30x 0.00062; ExAC 0.00073; 1000 Genomes Project 0.00080.
gnomAD v4.1: 467 of 1,613,756 alleles (0.029%); highest among the groups gnomAD compares: South Asian, 0.43%; 7 homozygotes.

Submissions (12):

Labcorp Genetics (formerly Invitae), Labcorp
Classification: Benign for Multiple endocrine neoplasia, type 2. Last evaluated: 2026-01-07. Review status: criteria provided, single submitter. Criteria: Invitae Variant Classification Sherloc (09022015). Collection method: clinical testing. Allele origin: germline.

CeGaT Center for Human Genetics Tuebingen
Classification: Likely benign. Last evaluated: 2025-06-01. Review status: criteria provided, single submitter. Criteria: CeGaT Center For Human Genetics Tuebingen Variant Classification Criteria Version 2. Collection method: clinical testing. Allele origin: germline. Affected: yes. Observed: 1 variant allele.
Comment: RET: BP4

KCCC/NGS Laboratory, Kuwait Cancer Control Center
Classification: Benign for Pheochromocytoma. Last evaluated: 2025-02-01. Review status: criteria provided, single submitter. Criteria: ACMG Guidelines, 2015. Collection method: clinical testing. Allele origin: germline. Affected: no.

Blueprint Genetics
Classification: Likely benign. Last evaluated: 2024-11-04. Review status: criteria provided, single submitter. Criteria: ACMG Guidelines, 2015. Collection method: clinical testing. Allele origin: germline.

KCCC/NGS Laboratory, Kuwait Cancer Control Center
Classification: Benign for Multiple endocrine neoplasia type 2B. Last evaluated: 2023-07-07. Review status: criteria provided, single submitter. Criteria: ACMG Guidelines, 2015. Collection method: clinical testing. Allele origin: germline. Affected: yes.

Color Diagnostics, LLC DBA Color Health
Classification: Likely benign for Multiple endocrine neoplasia, type 2. Last evaluated: 2022-11-23. Review status: criteria provided, single submitter. Criteria: ACMG Guidelines, 2015. Collection method: clinical testing. Allele origin: germline.

Genetic Services Laboratory, University of Chicago
Classification: Likely benign. Last evaluated: 2019-09-20. Review status: criteria provided, single submitter. Criteria: ACMG Guidelines, 2015. Collection method: clinical testing. Allele origin: germline. Affected: no.

Mendelics
Classification: Benign for Multiple endocrine neoplasia type 2A. Last evaluated: 2019-05-28. Review status: criteria provided, single submitter. Criteria: Mendelics Assertion Criteria 2017. Collection method: clinical testing. Allele origin: unknown.

GeneDx
Classification: Likely benign. Last evaluated: 2017-12-12. Review status: criteria provided, single submitter. Criteria: GeneDx Variant Classification (06012015). Collection method: clinical testing. Allele origin: germline. Affected: yes.
Comment: This variant is considered likely benign or benign based on one or more of the following criteria: it is a conservative change, it occurs at a poorly conserved position in the protein, it is predicted to be benign by multiple in silico algorithms, and/or has population frequency not consistent with disease.

Ambry Genetics
Classification: Likely benign for Hereditary cancer-predisposing syndrome. Last evaluated: 2015-06-09. Review status: criteria provided, single submitter. Criteria: Ambry Variant Classification Scheme 2023. Collection method: clinical testing. Allele origin: germline.

PreventionGenetics, part of Exact Sciences
Classification: Likely benign for RET-related condition. Last evaluated: 2020-02-12. Review status: no assertion criteria provided. Collection method: clinical testing. Allele origin: germline. Not counted in ClinVar's aggregate classification.
Comment: This variant is classified as likely benign based on ACMG/AMP sequence variant interpretation guidelines (Richards et al. 2015 PMID: 25741868, with internal and published modifications).

Counsyl
Classification: Likely benign for Multiple endocrine neoplasia type 2A. Last evaluated: 2017-09-19. Review status: no assertion criteria provided. Collection method: clinical testing. Allele origin: unknown. Not counted in ClinVar's aggregate classification.

Literature cited by the submitters: PubMed 17108762 (cited by Counsyl); PubMed 21986619 (cited by Counsyl); PubMed 22574178 (cited by Counsyl); PubMed 21995290 (cited by Counsyl).

NM_020975.6(RET):c.1118C>T (p.Ala373Val)

Gene: RET (ret proto-oncogene; plus strand). Cytogenetic location: 10q11.21.
Variant type: single nucleotide variant.
Coding change: c.1118C>T on transcript NM_020975.6 (MANE Select); coding-DNA position 1118, C replaced by T.
Protein change: p.Ala373Val; replaces alanine 373 with valine.
Molecular consequence: missense variant.
Genome position (GRCh38, 1-based): chr10:43,109,085, C>T. VCF-style: chr10-43109085-C-T. GRCh37 (hg19) VCF-style: chr10-43604533-C-T.
Other names: c.1118C>T, p.Ala373Val (NM_000323.2, NM_001406743.1, NM_001406744.1 and 6 more transcripts); c.356C>T, p.Ala119Val (NM_001355216.2); c.830C>T, p.Ala277Val (NM_001406770.1, NM_001406766.1, NM_001406767.1); c.680C>T, p.Ala227Val (NM_001406771.1, NM_001406773.1); c.392C>T, p.Ala131Val (NM_001406775.1, NM_001406776.1, NM_001406777.1 and 1 more transcripts); c.128C>T, p.Ala43Val (NM_001406784.1); c.989C>T, p.Ala330Val (NM_001406761.1, NM_001406762.1, NM_001406764.1 and 1 more transcripts); short protein forms A373V, A119V, A330V, A43V, A131V, A277V, A227V.
Identifiers: ClinVar variation 188268 (VCV000188268.41), dbSNP rs546866208, ClinGen allele CA007442.
Genomic context (GRCh38, chr10:43,109,085, plus strand): 5'-CTGCAGGGCTGGTTCTCAACCGGAACCTCTCCATCTCGGAGAACCGCACCATGCAGCTGG[C>T]GGTGCTGGTCAATGACTCAGACTTCCAGGGCCCAGGAGCGGGCGTCCTCTTGCTCCACTT-3'
Protein context (NP_066124.1, residues 363-383): SISENRTMQL[Ala373Val]VLVNDSDFQG